The following is an entry in ClinVar:

NM_000051.4(ATM):c.7781_7782dup (p.Asp2595fs)

Genes: ATM (ATM serine/threonine kinase; plus strand), C11orf65 (chromosome 11 open reading frame 65; minus strand). Cytogenetic location: 11q22.3.
Variant type: Duplication.
Coding change: c.7781_7782dup on transcript NM_000051.4 (MANE Select); coding-DNA positions 7781 to 7782, 2 bases duplicated (TT; older notation c.7781_7782dupTT).
Protein change: p.Asp2595fs; shifts the reading frame from aspartic acid 2595.
Molecular consequence: frameshift variant. On other transcripts: intron variant (2).
Genome position (GRCh38, 1-based): chr11:108,332,030-108,332,031, TT duplicated. VCF-style (leftmost placement, unchanged base first): chr11-108332029-C-CTT. GRCh37 (hg19) VCF-style: chr11-108202756-C-CTT.
Other names: c.7781_7782dup, p.Asp2595fs (NM_001351834.2); c.641-22960_641-22959dup (NM_001330368.2); c.*38+3189_*38+3190dup (NM_001351110.2); c.7781_7782dupTT (NM_000051.3); short protein forms D2595fs.
Identifiers: ClinVar variation 5031929 (VCV005031929.1).
Genomic context (GRCh38, chr11:108,332,029, plus strand): 5'-AAACCAGAGGTAGCCAGAAGAAGCAGAATAACTAAAAATGTGCCTAAACAAAGCTCTCAG[C>CTT]TTGATGAGGTATTTGGATTAAACATACGTACCTTTTAGAAGTGTGATATTCAGTCTTTCC-3'

ClinVar aggregate classification (germline): Pathogenic (1 of 4 stars; one submission).

Conditions:
Hereditary cancer-predisposing syndrome. Also called: Neoplastic Syndromes, Hereditary; Tumor predisposition; Hereditary neoplastic syndrome; Hereditary Cancer Syndrome. Identifiers: Orphanet 140162, MedGen C0027672, MeSH D009386, MONDO:0015356.

Submission:

Ambry Genetics
Classification: Pathogenic for Hereditary cancer-predisposing syndrome. Last evaluated: 2026-08-11. Review status: criteria provided, single submitter. Criteria: Ambry Variant Classification Scheme 2023. Collection method: clinical testing. Allele origin: germline.
Comment: The c.7781_7782dupTT pathogenic mutation, located in coding exon 51 of the ATM gene, results from a duplication of TT at nucleotide position 7781, causing a translational frameshift with a predicted alternate stop codon (p.D2595Lfs*12). This variant is considered to be rare based on population cohorts in the Genome Aggregation Database (gnomAD). This variant is expected to result in loss of function by premature protein truncation or nonsense-mediated mRNA decay. As such, this variant is interpreted as a disease-causing mutation.